The following is an entry in ClinVar:

NM_152703.5(SAMD9L):c.1705C>G (p.Gln569Glu)

Gene: SAMD9L (sterile alpha motif domain containing 9 like; minus strand). Cytogenetic location: 7q21.2.
Variant type: single nucleotide variant.
Coding change: c.1705C>G on transcript NM_152703.5 (MANE Select); coding-DNA position 1705, C replaced by G.
Protein change: p.Gln569Glu; replaces glutamine 569 with glutamic acid.
Molecular consequence: missense variant.
Genome position (GRCh38, 1-based): chr7:93,134,267, G>C on the plus strand (C>G on the coding strand, the complement: SAMD9L is on the minus strand). VCF-style: chr7-93134267-G-C. GRCh37 (hg19) VCF-style: chr7-92763580-G-C.
Other names: c.1705C>G, p.Gln569Glu (NM_001303496.3, NM_001303497.3, NM_001303498.3 and 5 more transcripts); short protein forms Q569E.
Identifiers: ClinVar variation 3949853 (VCV003949853.1).

ClinVar aggregate classification (germline): Uncertain significance (1 of 4 stars; one submission).

Conditions:
Inborn genetic diseases. Identifiers: MedGen C0950123, MeSH D030342.

Submission:

Ambry Genetics
Classification: Uncertain significance for Inborn genetic diseases. Last evaluated: 2025-04-18. Review status: criteria provided, single submitter. Criteria: Ambry Variant Classification Scheme 2023. Collection method: clinical testing. Allele origin: germline.
Comment: The p.Q569E variant (also known as c.1705C>G), located in coding exon 1 of the SAMD9L gene, results from a C to G substitution at nucleotide position 1705. The glutamine at codon 569 is replaced by glutamic acid, an amino acid with highly similar properties. This amino acid position is conserved. In addition, this alteration is predicted to be tolerated by in silico analysis. Based on the available evidence, the clinical significance of this variant remains unclear.